The following is an entry in ClinVar:

NM_024664.4(PPCS):c.919A>G (p.Ile307Val)

Genes: CCDC30 (coiled-coil domain containing 30; plus strand), PPCS (phosphopantothenoylcysteine synthetase; plus strand). Cytogenetic location: 1p34.2.
Variant type: single nucleotide variant.
Coding change: c.919A>G on transcript NM_024664.4 (MANE Select); coding-DNA position 919, A replaced by G.
Protein change: p.Ile307Val; replaces isoleucine 307 with valine.
Molecular consequence: missense variant. On other transcripts: intron variant (2).
Genome position (GRCh38, 1-based): chr1:42,459,909, A>G. VCF-style: chr1-42459909-A-G. GRCh37 (hg19) VCF-style: chr1-42925580-A-G.
Other names: c.-880+2559A>G (NM_001355226.2); c.612+2559A>G (NM_001287511.2); c.400A>G, p.Ile134Val (NM_001077447.3, NM_001287506.1, NM_001287508.2 and 2 more transcripts); c.301A>G, p.Ile101Val (NM_001287507.1); short protein forms I134V, I101V, I307V.
Identifiers: ClinVar variation 1442469 (VCV001442469.6), dbSNP rs2148421930, ClinGen allele CA339951294.

ClinVar aggregate classification (germline): Uncertain significance (1 of 4 stars; one submission).

gnomAD v4.1: 2 of 1,607,946 alleles (0.00012%); highest among the groups gnomAD compares: Non-Finnish European, 0.00017%; no homozygotes.

Submission:

Labcorp Genetics (formerly Invitae), Labcorp
Classification: Uncertain significance. Last evaluated: 2021-10-14. Review status: criteria provided, single submitter. Criteria: Invitae Variant Classification Sherloc (09022015). Collection method: clinical testing. Allele origin: germline.
Comment: This sequence change replaces isoleucine with valine at codon 307 of the PPCS protein (p.Ile307Val). The isoleucine residue is moderately conserved and there is a small physicochemical difference between isoleucine and valine. This variant is not present in population databases (ExAC no frequency). This variant has not been reported in the literature in individuals affected with PPCS-related conditions. Algorithms developed to predict the effect of missense changes on protein structure and function (SIFT, PolyPhen-2, Align-GVGD) all suggest that this variant is likely to be tolerated. Algorithms developed to predict the effect of sequence changes on RNA splicing suggest that this variant may create or strengthen a splice site. In summary, the available evidence is currently insufficient to determine the role of this variant in disease. Therefore, it has been classified as a Variant of Uncertain Significance.